The following is an entry in ClinVar:

NM_001040142.2(SCN2A):c.4447-10A>G

Gene: SCN2A (sodium voltage-gated channel alpha subunit 2; plus strand). Cytogenetic location: 2q24.3.
Variant type: single nucleotide variant.
Coding change: c.4447-10A>G on transcript NM_001040142.2 (MANE Select); 10 bases into the intron before coding-DNA position 4447, A replaced by G.
Molecular consequence: intron variant.
Genome position (GRCh38, 1-based): chr2:165,381,083, A>G. VCF-style: chr2-165381083-A-G. GRCh37 (hg19) VCF-style: chr2-166237593-A-G.
Other names: c.4447-10A>G (NM_001040143.2, NM_001371246.1, NM_001371247.1 and 1 more transcripts).
Identifiers: ClinVar variation 3043732 (VCV003043732.2), dbSNP rs1431429250, ClinGen allele CA760107669.

ClinVar aggregate classification (germline): Likely benign (0 of 4 stars; one submission).

Conditions:
SCN2A-related disorder. Also called: SCN2A-related disorders; SCN2A-related condition. Identifiers: MedGen CN382226, MONDO:1060245.

Allele frequency attached by ClinVar (database versions not stated): TOPMed below 0.00001; gnomAD exomes below 0.00001.
gnomAD v4.1: 2 of 1,547,658 alleles (0.00013%); highest among the groups gnomAD compares: Non-Finnish European, 0.00018%; no homozygotes.

Submission:

PreventionGenetics, part of Exact Sciences
Classification: Likely benign for SCN2A-related condition. Last evaluated: 2023-01-05. Review status: no assertion criteria provided. Collection method: clinical testing. Allele origin: germline.
Comment: This variant is classified as likely benign based on ACMG/AMP sequence variant interpretation guidelines (Richards et al. 2015 PMID: 25741868, with internal and published modifications).